The following is an entry in ClinVar:

ClinVar aggregate classification (germline): Uncertain significance. Review status: criteria provided, multiple submitters, no conflicts (2 of 4 stars). 2 submissions from 2 submitters: Uncertain significance (2). Last evaluated 2025-04-10.

Conditions:
Inborn genetic diseases. Identifiers: MedGen C0950123, MeSH D030342.

Allele frequency attached by ClinVar (database versions not stated): TOPMed below 0.00001.
gnomAD v4.1: 1 of 1,591,254 alleles (0.000063%); highest among the groups gnomAD compares: East Asian, 0.0023%; no homozygotes.

Submissions (2):

Ambry Genetics
Classification: Uncertain significance for Inborn genetic diseases. Last evaluated: 2025-04-10. Review status: criteria provided, single submitter. Criteria: Ambry Variant Classification Scheme 2023. Collection method: clinical testing. Allele origin: germline.

Labcorp Genetics (formerly Invitae), Labcorp
Classification: Uncertain significance. Last evaluated: 2023-08-04. Review status: criteria provided, single submitter. Criteria: Invitae Variant Classification Sherloc (09022015). Collection method: clinical testing. Allele origin: germline.
Comment: An algorithm developed to predict the effect of missense changes on protein structure and function (PolyPhen-2) suggests that this variant is likely to be disruptive. In summary, the available evidence is currently insufficient to determine the role of this variant in disease. Therefore, it has been classified as a Variant of Uncertain Significance. ClinVar contains an entry for this variant (Variation ID: 1974887). This variant has not been reported in the literature in individuals affected with DMXL2-related conditions. This sequence change replaces cysteine, which is neutral and slightly polar, with arginine, which is basic and polar, at codon 920 of the DMXL2 protein (p.Cys920Arg). This variant is not present in population databases (gnomAD no frequency).

NM_001378457.1(DMXL2):c.2758T>C (p.Cys920Arg)

Gene: DMXL2 (Dmx like 2; minus strand). Cytogenetic location: 15q21.2.
Variant type: single nucleotide variant.
Coding change: c.2758T>C on transcript NM_001378457.1 (MANE Select); coding-DNA position 2758, T replaced by C.
Protein change: p.Cys920Arg; replaces cysteine 920 with arginine.
Molecular consequence: missense variant. On other transcripts: non-coding transcript variant (2).
Genome position (GRCh38, 1-based): chr15:51,507,140, A>G on the plus strand (T>C on the coding strand, the complement: DMXL2 is on the minus strand). VCF-style: chr15-51507140-A-G. GRCh37 (hg19) VCF-style: chr15-51799337-A-G.
Other names: c.2758T>C (NM_001174116.1); c.2758T>C, p.Cys920Arg (NM_001174116.3, NM_001174117.3, NM_001378458.1 and 6 more transcripts); c.2518T>C, p.Cys840Arg (NM_001378464.1); short protein forms C920R, C840R.
Identifiers: ClinVar variation 1974887 (VCV001974887.6), dbSNP rs2046453344, ClinGen allele CA392439193.